The following is an entry in ClinVar:

NG_012820.2(ANK1):g.104117T>C

Gene: ANK1 (ankyrin 1; minus strand). Cytogenetic location: 8p11.21.
Variant type: single nucleotide variant.
Molecular consequence: genic upstream transcript variant (on NM_000037.4). On other transcripts: intron variant (1).
Genome position: GRCh38 VCF-style: chr8-41797646-A-G. GRCh37 (hg19) VCF-style: chr8-41655164-A-G.
Other names: p.?; -108T-C, PROMOTER; c.-108T>C (NM_000037.4); c.127-39509T>C (NM_001142446.2).
Identifiers: ClinVar variation 507 (VCV000000507.10), dbSNP rs77173848, ClinGen allele CA212744.

ClinVar aggregate classification (germline): Conflicting classifications of pathogenicity. Review status: criteria provided, conflicting classifications (1 of 4 stars). 6 submissions from 6 submitters: Uncertain significance (1); Benign (3). 2 of the submissions do not count toward it. Last evaluated 2025-11-04.

Conditions:
Hereditary spherocytosis type 1. Also called: Spherocytosis type 1; ANK1-Related Spherocytosis. Identifiers: Orphanet 822, MedGen C2674218, MONDO:0008447, OMIM 182900.
SPHEROCYTOSIS, TYPE 1, AUTOSOMAL RECESSIVE. Identifiers: MedGen C4017275.

Allele frequency attached by ClinVar (database versions not stated): 1000 Genomes Project 0.03534; 1000 Genomes Project 30x 0.03716; gnomAD 0.04675 and 0.04417; TOPMed 0.04798; gnomAD exomes 0.02063.
gnomAD v4.1: 35,329 of 1,532,402 alleles (2.3%); highest among the groups gnomAD compares: African/African-American, 11%; 774 homozygotes.

Submissions (6):

Mayo Clinic Laboratories, Mayo Clinic
Classification: Uncertain significance. Last evaluated: 2025-11-04. Review status: criteria provided, single submitter. Criteria: ACMG Guidelines, 2015. Collection method: clinical testing. Allele origin: germline. Observed: 55 variant alleles.

H3Africa Consortium
Classification: Benign. Last evaluated: 2020-10-28. Review status: criteria provided, single submitter. Criteria: Choudhury A et al. (Nature 2020). Collection method: research. Allele origin: germline. Inheritance: Autosomal recessive inheritance. Study: H3Africa.
Comment: While the frequency of the alternate allele in gnoMAD v2.0.2 is 0.123, its frequency in African populations is >5%. This suggests that previous classifications of this variant as pathogenic are in error.

Mendelics
Classification: Benign for Hereditary spherocytosis type 1. Last evaluated: 2019-05-28. Review status: criteria provided, single submitter. Criteria: Mendelics Assertion Criteria 2017. Collection method: clinical testing. Allele origin: unknown.

Breakthrough Genomics
Classification: Benign. Review status: criteria provided, single submitter. Criteria: ACMG Guidelines, 2015. Collection method: not provided. Allele origin: germline. Inheritance: Autosomal dominant inheritance. Affected: yes.

Reproductive Health Research and Development, BGI Genomics
Classification: Benign for Spherocytosis, type 1, autosomal recessive. Last evaluated: 2020-01-06. Review status: no assertion criteria provided. Collection method: curation. Allele origin: germline. Not counted in ClinVar's aggregate classification.
Comment: NG_012820.1(NM_001142446.2):c.127-39509T>C in the ANK1 gene has an allele frequency of 0.112 in African subpopulation in the gnomAD database. 69 homozygous occurrences are observed in the gnomAD database. This variant was reported as -108T-C in a patient, compound heterozygous with V463I (PMID: 8640229). This evidence suggests the variant to be classified as benign. ACMG/AMP criteria applied: BA1, BS2, PM3.

OMIM
Classification: Benign for RECLASSIFIED - ANK1 POLYMORPHISM. Last evaluated: 1996-06-01. Review status: no assertion criteria provided. Collection method: literature only. Allele origin: germline. Not counted in ClinVar's aggregate classification.

Literature cited by the submitters: Hamosh, A. Personal Communication. 2021. Baltimore, Md. (cited by OMIM); PubMed 8640229 (cited by OMIM).